The following is an entry in ClinVar:

NM_017841.4(SDHAF2):c.37-2607_61del

Gene: SDHAF2 (succinate dehydrogenase complex assembly factor 2; plus strand). Cytogenetic location: 11q12.2.
Variant type: Deletion.
Coding change: c.37-2607_61del on transcript NM_017841.4 (MANE Select); 2607 bases into the intron before coding-DNA position 37 through coding-DNA position 61, 2,632 bases deleted.
Molecular consequence: splice acceptor variant.
Genome position (GRCh38, 1-based): chr11:61,435,018-61,437,649, 2,632 bases deleted. GRCh37 (hg19): chr11:61,202,490-61,205,121.
Identifiers: ClinVar variation 4547280 (VCV004547280.1).

ClinVar aggregate classification (germline): Likely pathogenic (1 of 4 stars; one submission).

Conditions:
Hereditary cancer-predisposing syndrome. Also called: Tumor predisposition; Hereditary Cancer Syndrome; Hereditary neoplastic syndrome; Neoplastic Syndromes, Hereditary. Identifiers: Orphanet 140162, MedGen C0027672, MeSH D009386, MONDO:0015356.

Submission:

Ambry Genetics
Classification: Likely pathogenic for Hereditary cancer-predisposing syndrome. Last evaluated: 2025-10-28. Review status: criteria provided, single submitter. Criteria: Ambry Variant Classification Scheme 2023. Collection method: clinical testing. Allele origin: germline.
Comment: The c.37-2607_61del2632 variant results from a deletion of 2632 nucleotides between positions c.37-2607 and c.61 and involves the canonical splice acceptor site before coding exon 2 of the SDHAF2 gene. The canonical splice acceptor site is highly conserved in available vertebrate species. RNA studies have demonstrated that this alteration results in abnormal splicing in the set of samples tested (Ambry internal data). This variant is considered to be rare based on population cohorts in the Genome Aggregation Database (gnomAD). Based on the majority of available evidence to date, this variant is likely to be pathogenic.